The following is an entry in ClinVar:

NM_000419.5(ITGA2B):c.2349-3C>T

Gene: ITGA2B (integrin subunit alpha 2b; minus strand). Cytogenetic location: 17q21.31.
Variant type: single nucleotide variant.
Coding change: c.2349-3C>T on transcript NM_000419.5 (MANE Select); 3 bases into the intron before coding-DNA position 2349, C replaced by T.
Molecular consequence: intron variant.
Genome position (GRCh38, 1-based): chr17:44,376,187, G>A on the plus strand (C>T on the coding strand, the complement: ITGA2B is on the minus strand). VCF-style: chr17-44376187-G-A. GRCh37 (hg19) VCF-style: chr17-42453555-G-A.
Identifiers: ClinVar variation 3726738 (VCV003726738.2).

ClinVar aggregate classification (germline): Uncertain significance (1 of 4 stars; one submission).

Conditions:
Glanzmann thrombasthenia. Also called: Thrombasthenia; BLEEDING DISORDER, PLATELET-TYPE, 2; THROMBASTHENIA OF GLANZMANN AND NAEGELI; Glanzmann's thrombasthenia; PLATELET GLYCOPROTEIN IIb-IIIa DEFICIENCY. Identifiers: Orphanet 849, MedGen C0040015, MONDO:0100326.

gnomAD v4.1: 7 of 1,614,048 alleles (0.00043%); highest among the groups gnomAD compares: Non-Finnish European, 0.00059%; no homozygotes.

Submission:

Labcorp Genetics (formerly Invitae), Labcorp
Classification: Uncertain significance for Glanzmann thrombasthenia. Last evaluated: 2024-05-07. Review status: criteria provided, single submitter. Criteria: Invitae Variant Classification Sherloc (09022015). Collection method: clinical testing. Allele origin: germline.
Comment: This sequence change falls in intron 23 of the ITGA2B gene. It does not directly change the encoded amino acid sequence of the ITGA2B protein. It affects a nucleotide within the consensus splice site. This variant is present in population databases (rs755617386, gnomAD 0.004%). This variant has not been reported in the literature in individuals affected with ITGA2B-related conditions. Variants that disrupt the consensus splice site are a relatively common cause of aberrant splicing (PMID: 17576681, 9536098). Algorithms developed to predict the effect of sequence changes on RNA splicing suggest that this variant is not likely to affect RNA splicing. In summary, the available evidence is currently insufficient to determine the role of this variant in disease. Therefore, it has been classified as a Variant of Uncertain Significance.

Literature cited by the submitters: PubMed 17576681; PubMed 9536098.